The following is an entry in ClinVar:

NM_001377.3(DYNC2H1):c.9595A>G (p.Thr3199Ala)

Gene: DYNC2H1 (dynein cytoplasmic 2 heavy chain 1; plus strand). Cytogenetic location: 11q22.3.
Variant type: single nucleotide variant.
Coding change: c.9595A>G on transcript NM_001377.3 (MANE Select); coding-DNA position 9595, A replaced by G.
Protein change: p.Thr3199Ala; replaces threonine 3199 with alanine.
Molecular consequence: missense variant.
Genome position (GRCh38, 1-based): chr11:103,235,699, A>G. VCF-style: chr11-103235699-A-G. GRCh37 (hg19) VCF-style: chr11-103106428-A-G.
Other names: c.9595A>G, p.Thr3199Ala (NM_001080463.2); short protein forms T3199A.
Identifiers: ClinVar variation 2106675 (VCV002106675.2), dbSNP rs1358151943, ClinGen allele CA382241714.

ClinVar aggregate classification (germline): Uncertain significance. Review status: criteria provided, multiple submitters, no conflicts (2 of 4 stars). 2 submissions from 2 submitters: Uncertain significance (2). Last evaluated 2022-05-06.

Conditions:
Inborn genetic diseases. Identifiers: MedGen C0950123, MeSH D030342.
Jeune thoracic dystrophy. Also called: Jeune syndrome; Infantile thoracic dystrophy; Thoracic pelvic phalangeal dystrophy; Jeune's syndrome; Chondroectodermal dysplasia-like syndrome; Short-rib thoracic dysplasia. Identifiers: Orphanet 474, MedGen C0265275, MONDO:0018770.

Allele frequency attached by ClinVar (database versions not stated): gnomAD exomes below 0.00001.
gnomAD v4.1: 2 of 1,609,720 alleles (0.00012%); highest among the groups gnomAD compares: Non-Finnish European, 0.00017%; no homozygotes.

Submissions (2):

Labcorp Genetics (formerly Invitae), Labcorp
Classification: Uncertain significance for Jeune thoracic dystrophy. Last evaluated: 2022-05-06. Review status: criteria provided, single submitter. Criteria: Invitae Variant Classification Sherloc (09022015). Collection method: clinical testing. Allele origin: germline.
Comment: This sequence change replaces threonine, which is neutral and polar, with alanine, which is neutral and non-polar, at codon 3199 of the DYNC2H1 protein (p.Thr3199Ala). This variant is present in population databases (no rsID available, gnomAD 0.0009%). This variant has not been reported in the literature in individuals affected with DYNC2H1-related conditions. Advanced modeling of protein sequence and biophysical properties (such as structural, functional, and spatial information, amino acid conservation, physicochemical variation, residue mobility, and thermodynamic stability) performed at Invitae indicates that this missense variant is not expected to disrupt DYNC2H1 protein function. In summary, the available evidence is currently insufficient to determine the role of this variant in disease. Therefore, it has been classified as a Variant of Uncertain Significance.

Ambry Genetics
Classification: Uncertain significance for Inborn genetic diseases. Last evaluated: 2021-08-13. Review status: criteria provided, single submitter. Criteria: Ambry Variant Classification Scheme 2023. Collection method: clinical testing. Allele origin: germline.